The following is an entry in ClinVar:

NM_016180.5(SLC45A2):c.1344G>C (p.Glu448Asp)

Gene: SLC45A2 (solute carrier family 45 member 2; minus strand). Cytogenetic location: 5p13.2.
Variant type: single nucleotide variant.
Coding change: c.1344G>C on transcript NM_016180.5 (MANE Select); coding-DNA position 1344, G replaced by C.
Protein change: p.Glu448Asp; replaces glutamic acid 448 with aspartic acid.
Molecular consequence: missense variant.
Genome position (GRCh38, 1-based): chr5:33,947,187, C>G on the plus strand (G>C on the coding strand, the complement: SLC45A2 is on the minus strand). VCF-style: chr5-33947187-C-G. GRCh37 (hg19) VCF-style: chr5-33947292-C-G.
Other names: c.1344G>C, p.Glu448Asp (NM_001012509.4); short protein forms E448D.
Identifiers: ClinVar variation 1914945 (VCV001914945.5), dbSNP rs1220241839, ClinGen allele CA359388135.

ClinVar aggregate classification (germline): Uncertain significance (1 of 4 stars; one submission).

gnomAD v4.1: 3 of 1,614,074 alleles (0.00019%); highest among the groups gnomAD compares: South Asian, 0.0011%; no homozygotes.

Submission:

Labcorp Genetics (formerly Invitae), Labcorp
Classification: Uncertain significance. Last evaluated: 2025-09-15. Review status: criteria provided, single submitter. Criteria: Invitae Variant Classification Sherloc (09022015). Collection method: clinical testing. Allele origin: germline.
Comment: This sequence change replaces glutamic acid, which is acidic and polar, with aspartic acid, which is acidic and polar, at codon 448 of the SLC45A2 protein (p.Glu448Asp). This variant is not present in population databases (gnomAD no frequency). This variant has not been reported in the literature in individuals affected with SLC45A2-related conditions. ClinVar contains an entry for this variant (Variation ID: 1914945). Invitae Evidence Modeling of protein sequence and biophysical properties (such as structural, functional, and spatial information, amino acid conservation, physicochemical variation, residue mobility, and thermodynamic stability) indicates that this missense variant is not expected to disrupt SLC45A2 protein function with a negative predictive value of 80%. In summary, the available evidence is currently insufficient to determine the role of this variant in disease. Therefore, it has been classified as a Variant of Uncertain Significance.